The following is an entry in ClinVar:

ClinVar aggregate classification (germline): Uncertain significance (0 of 4 stars; one submission).

Conditions:
SIM1-related disorder. Also called: SIM1-related condition; SIM1-related disorders.

Submission:

PreventionGenetics, part of Exact Sciences
Classification: Uncertain significance for SIM1-related condition. Last evaluated: 2024-02-03. Review status: no assertion criteria provided. Collection method: clinical testing. Allele origin: germline.
Comment: The SIM1 c.1204C>A variant is predicted to result in the amino acid substitution p.His402Asn. To our knowledge, this variant has not been reported in the literature or in a large population database, indicating this variant is rare. At this time, the clinical significance of this variant is uncertain due to the absence of conclusive functional and genetic evidence.

NM_005068.3(SIM1):c.1204C>A (p.His402Asn)

Genes: SIM1 (SIM bHLH transcription factor 1; minus strand), SIM1-AS1 (SIM1 antisense RNA 1; plus strand). Cytogenetic location: 6q16.3.
Variant type: single nucleotide variant.
Coding change: c.1204C>A on transcript NM_005068.3 (MANE Select); coding-DNA position 1204, C replaced by A.
Protein change: p.His402Asn; replaces histidine 402 with asparagine.
Molecular consequence: missense variant. On other transcripts: non-coding transcript variant (1).
Genome position (GRCh38, 1-based): chr6:100,393,853, G>T on the plus strand (C>A on the coding strand, the complement: SIM1 is on the minus strand). VCF-style: chr6-100393853-G-T. GRCh37 (hg19) VCF-style: chr6-100841729-G-T.
Other names: c.1204C>A, p.His402Asn (NM_001374769.1); short protein forms H402N.
Identifiers: ClinVar variation 3355270 (VCV003355270.1).